The following is an entry in ClinVar:

NM_000179.3(MSH6):c.1177G>C (p.Ala393Pro)

Gene: MSH6 (mutS homolog 6; plus strand). Cytogenetic location: 2p16.3.
Variant type: single nucleotide variant.
Coding change: c.1177G>C on transcript NM_000179.3 (MANE Select); coding-DNA position 1177, G replaced by C.
Protein change: p.Ala393Pro; replaces alanine 393 with proline.
Molecular consequence: missense variant.
Genome position (GRCh38, 1-based): chr2:47,799,160, G>C. VCF-style: chr2-47799160-G-C. GRCh37 (hg19) VCF-style: chr2-48026299-G-C.
Other names: c.787G>C, p.Ala263Pro (NM_001281492.2); c.271G>C, p.Ala91Pro (NM_001281493.2, NM_001281494.2); short protein forms A393P, A263P, A91P.
Identifiers: ClinVar variation 963892 (VCV000963892.10), dbSNP rs1669304152, ClinGen allele CA346742352.

ClinVar aggregate classification (germline): Uncertain significance (1 of 4 stars; one submission).

Conditions:
Hereditary nonpolyposis colorectal neoplasms. Identifiers: MedGen C0009405, MeSH D003123.

Allele frequency attached by ClinVar (database versions not stated): gnomAD exomes below 0.00001.
gnomAD v4.1: 1 of 1,613,256 alleles (0.000062%); highest among the groups gnomAD compares: Non-Finnish European, 0.000085%; no homozygotes.

Submission:

Labcorp Genetics (formerly Invitae), Labcorp
Classification: Uncertain significance for Hereditary nonpolyposis colorectal neoplasms. Last evaluated: 2025-06-16. Review status: criteria provided, single submitter. Criteria: Invitae Variant Classification Sherloc (09022015). Collection method: clinical testing. Allele origin: germline.
Comment: This sequence change replaces alanine, which is neutral and non-polar, with proline, which is neutral and non-polar, at codon 393 of the MSH6 protein (p.Ala393Pro). This variant is not present in population databases (gnomAD no frequency). This variant has not been reported in the literature in individuals affected with MSH6-related conditions. ClinVar contains an entry for this variant (Variation ID: 963892). Invitae Evidence Modeling of protein sequence and biophysical properties (such as structural, functional, and spatial information, amino acid conservation, physicochemical variation, residue mobility, and thermodynamic stability) indicates that this missense variant is not expected to disrupt MSH6 protein function with a negative predictive value of 95%. In summary, the available evidence is currently insufficient to determine the role of this variant in disease. Therefore, it has been classified as a Variant of Uncertain Significance.